The following is an entry in ClinVar:

ClinVar aggregate classification (germline): Uncertain significance (1 of 4 stars; one submission).

Conditions:
Inborn genetic diseases. Identifiers: MedGen C0950123, MeSH D030342.

gnomAD v4.1: 1 of 1,612,898 alleles (0.000062%); highest among the groups gnomAD compares: East Asian, 0.0022%; no homozygotes.

Submission:

Ambry Genetics
Classification: Uncertain significance for Inborn genetic diseases. Last evaluated: 2026-04-04. Review status: criteria provided, single submitter. Criteria: Ambry Variant Classification Scheme 2023. Collection method: clinical testing. Allele origin: germline.
Comment: The p.G853S variant (also known as c.2557G>A), located in coding exon 12 of the BMPR2 gene, results from a G to A substitution at nucleotide position 2557. The glycine at codon 853 is replaced by serine, an amino acid with similar properties. This amino acid position is conserved. In addition, this alteration is predicted to be tolerated by in silico analysis. Based on the available evidence, the clinical significance of this variant remains unclear.

NM_001204.7(BMPR2):c.2557G>A (p.Gly853Ser)

Gene: BMPR2 (bone morphogenetic protein receptor type 2; plus strand). Cytogenetic location: 2q33.2.
Variant type: single nucleotide variant.
Coding change: c.2557G>A on transcript NM_001204.7 (MANE Select); coding-DNA position 2557, G replaced by A.
Protein change: p.Gly853Ser; replaces glycine 853 with serine.
Molecular consequence: missense variant.
Genome position (GRCh38, 1-based): chr2:202,556,222, G>A. VCF-style: chr2-202556222-G-A. GRCh37 (hg19) VCF-style: chr2-203420945-G-A.
Other names: short protein forms G853S.
Identifiers: ClinVar variation 4867593 (VCV004867593.1).